The following is an entry in ClinVar:

ClinVar aggregate classification (germline): Uncertain significance (1 of 4 stars; one submission).

Allele frequency attached by ClinVar (database versions not stated): gnomAD exomes below 0.00001.
gnomAD v4.1: 2 of 1,610,054 alleles (0.00012%); highest among the groups gnomAD compares: Non-Finnish European, 0.00017%; no homozygotes.

Submission:

Labcorp Genetics (formerly Invitae), Labcorp
Classification: Uncertain significance. Last evaluated: 2024-04-22. Review status: criteria provided, single submitter. Criteria: Invitae Variant Classification Sherloc (09022015). Collection method: clinical testing. Allele origin: germline.
Comment: This sequence change falls in intron 9 of the IFT74 gene. It does not directly change the encoded amino acid sequence of the IFT74 protein. It affects a nucleotide within the consensus splice site. This variant is present in population databases (no rsID available, gnomAD 0.0009%). This variant has not been reported in the literature in individuals affected with IFT74-related conditions. ClinVar contains an entry for this variant (Variation ID: 2132357). Variants that disrupt the consensus splice site are a relatively common cause of aberrant splicing (PMID: 17576681, 9536098). Algorithms developed to predict the effect of sequence changes on RNA splicing suggest that this variant is not likely to affect RNA splicing. In summary, the available evidence is currently insufficient to determine the role of this variant in disease. Therefore, it has been classified as a Variant of Uncertain Significance.

Literature cited by the submitters: PubMed 17576681; PubMed 9536098.

NM_025103.4(IFT74):c.726+4A>C

Gene: IFT74 (intraflagellar transport 74; plus strand). Cytogenetic location: 9p21.2.
Variant type: single nucleotide variant.
Coding change: c.726+4A>C on transcript NM_025103.4 (MANE Select); 4 bases into the intron after coding-DNA position 726, A replaced by C.
Molecular consequence: intron variant.
Genome position (GRCh38, 1-based): chr9:27,009,162, A>C. VCF-style: chr9-27009162-A-C. GRCh37 (hg19) VCF-style: chr9-27009160-A-C.
Other names: c.726+4A>C (NM_001099223.3, NM_001099222.3, NM_001349928.2 and 1 more transcripts).
Identifiers: ClinVar variation 2132357 (VCV002132357.4), dbSNP rs1473029021, ClinGen allele CA587115301.